The following is an entry in ClinVar:

NM_004448.4(ERBB2):c.3502G>A (p.Glu1168Lys)

Gene: ERBB2 (erb-b2 receptor tyrosine kinase 2; plus strand). Cytogenetic location: 17q12.
Variant type: single nucleotide variant.
Coding change: c.3502G>A on transcript NM_004448.4 (MANE Select); coding-DNA position 3502, G replaced by A.
Protein change: p.Glu1168Lys; replaces glutamic acid 1168 with lysine.
Molecular consequence: missense variant. On other transcripts: 3 prime UTR variant (2), non-coding transcript variant (1).
Genome position (GRCh38, 1-based): chr17:39,727,778, G>A. VCF-style: chr17-39727778-G-A. GRCh37 (hg19) VCF-style: chr17-37884031-G-A.
Other names: c.3412G>A, p.Glu1138Lys (NM_001005862.3, NM_001382782.1, NM_001382783.1); c.3457G>A, p.Glu1153Lys (NM_001289936.2); c.*81G>A (NM_001289937.2, NM_001382803.1); c.3619G>A, p.Glu1207Lys (NM_001382784.1); c.3604G>A, p.Glu1202Lys (NM_001382785.1); c.3583G>A, p.Glu1195Lys (NM_001382786.1); c.3577G>A, p.Glu1193Lys (NM_001382787.1); c.3532G>A, p.Glu1178Lys (NM_001382788.1); and 16 more; short protein forms E1135K, E1138K, E1153K, E1175K, E1100K, E1154K, E1207K, E851K.
Identifiers: ClinVar variation 3710175 (VCV003710175.2).
Genomic context (GRCh38, chr17:39,727,778, plus strand): 5'-CAGCCCCCTTCGCCCCGAGAGGGCCCTCTGCCTGCTGCCCGACCTGCTGGTGCCACTCTG[G>A]AAAGGCCCAAGACTCTCTCCCCAGGGAAGAATGGGGTCGTCAAAGACGTTTTTGCCTTTG-3'
Protein context (NP_004439.2, residues 1158-1178): PAARPAGATL[Glu1168Lys]RPKTLSPGKN

ClinVar aggregate classification (germline): Uncertain significance (1 of 4 stars; one submission).

gnomAD v4.1: 14 of 1,610,248 alleles (0.00087%); highest among the groups gnomAD compares: South Asian, 0.0066%; no homozygotes.

Submission:

Labcorp Genetics (formerly Invitae), Labcorp
Classification: Uncertain significance. Last evaluated: 2024-05-07. Review status: criteria provided, single submitter. Criteria: Invitae Variant Classification Sherloc (09022015). Collection method: clinical testing. Allele origin: germline.
Comment: This sequence change replaces glutamic acid, which is acidic and polar, with lysine, which is basic and polar, at codon 1168 of the ERBB2 protein (p.Glu1168Lys). The frequency data for this variant in the population databases is considered unreliable, as metrics indicate poor data quality at this position in the gnomAD database. This variant has not been reported in the literature in individuals affected with ERBB2-related conditions. An algorithm developed to predict the effect of missense changes on protein structure and function (PolyPhen-2) suggests that this variant is likely to be tolerated. In summary, the available evidence is currently insufficient to determine the role of this variant in disease. Therefore, it has been classified as a Variant of Uncertain Significance.